The following is an entry in ClinVar:

NM_004958.4(MTOR):c.5723C>T (p.Thr1908Ile)

Gene: MTOR (mechanistic target of rapamycin kinase; minus strand). Cytogenetic location: 1p36.22.
Variant type: single nucleotide variant.
Coding change: c.5723C>T on transcript NM_004958.4 (MANE Select); coding-DNA position 5723, C replaced by T.
Protein change: p.Thr1908Ile; replaces threonine 1908 with isoleucine.
Molecular consequence: missense variant.
Genome position (GRCh38, 1-based): chr1:11,128,943, G>A on the plus strand (C>T on the coding strand, the complement: MTOR is on the minus strand). VCF-style: chr1-11128943-G-A. GRCh37 (hg19) VCF-style: chr1-11189000-G-A.
Other names: c.5723C>T (NM_004958.3); c.5723C>T, p.Thr1908Ile (NM_001386500.1); c.4475C>T, p.Thr1492Ile (NM_001386501.1); short protein forms T1492I, T1908I.
Identifiers: ClinVar variation 1389900 (VCV001389900.7), dbSNP rs2100419408, ClinGen allele CA338397186.

ClinVar aggregate classification (germline): Conflicting classifications of pathogenicity. Review status: criteria provided, conflicting classifications (1 of 4 stars). 2 submissions from 2 submitters: Uncertain significance (1); Likely benign (1). Last evaluated 2024-03-06.

Submissions (2):

GeneDx
Classification: Uncertain significance. Last evaluated: 2024-03-06. Review status: criteria provided, single submitter. Criteria: GeneDx Variant Classification Process June 2021. Collection method: clinical testing. Allele origin: germline. Affected: yes.
Comment: Not observed at significant frequency in large population cohorts (gnomAD); In silico analysis supports that this missense variant has a deleterious effect on protein structure/function; Has not been previously published as pathogenic or benign to our knowledge

Labcorp Genetics (formerly Invitae), Labcorp
Classification: Likely benign. Last evaluated: 2024-01-15. Review status: criteria provided, single submitter. Criteria: Invitae Variant Classification Sherloc (09022015). Collection method: clinical testing. Allele origin: germline.